The following is an entry in ClinVar:

ClinVar aggregate classification (germline): Likely benign (1 of 4 stars; one submission).

Conditions:
Legius syndrome. Identifiers: Orphanet 137605, MedGen C1969623, MONDO:0012669, OMIM 611431. Disease mechanism: loss of function.

Allele frequency attached by ClinVar (database versions not stated): 1000 Genomes Project 30x 0.00047; 1000 Genomes Project 0.00060; gnomAD 0.00113; TOPMed 0.00126.

Submissions (2):

Illumina Laboratory Services, Illumina
Classification: Likely benign for Legius syndrome. Last evaluated: 2018-01-13. Review status: criteria provided, single submitter. Criteria: ICSL Variant Classification Criteria 13 December 2019. Collection method: clinical testing. Allele origin: germline.
Comment: This variant was observed in the ICSL laboratory as part of a predisposition screen in an ostensibly healthy population. It had not been previously curated by ICSL or reported in the Human Gene Mutation Database (HGMD: prior to June 1st, 2018), and was therefore a candidate for classification through an automated scoring system. Utilizing variant allele frequency, disease prevalence and penetrance estimates, and inheritance mode, an automated score was calculated to assess if this variant is too frequent to cause the disease. Based on the score and internal cut-off values, a variant classified as likely benign is not then subjected to further curation. The score for this variant resulted in a classification of likely benign for this disease.

Dr. Peter K. Rogan Lab, Western University
No classification provided (evidence only). Condition: Ovarian serous cystadenocarcinoma. Review status: no classification provided. Collection method: in vitro. Allele origin: not applicable. Functional consequence: retained intron. Not counted in ClinVar's aggregate classification.

NM_152594.3(SPRED1):c.*4372A>G

Gene: SPRED1 (sprouty related EVH1 domain containing 1; plus strand). Cytogenetic location: 15q14.
Variant type: single nucleotide variant.
Coding change: c.*4372A>G on transcript NM_152594.3 (MANE Select); 4372 bases downstream of the stop codon, A replaced by G.
Molecular consequence: 3 prime UTR variant.
Genome position (GRCh38, 1-based): chr15:38,356,036, A>G. VCF-style: chr15-38356036-A-G. GRCh37 (hg19) VCF-style: chr15-38648237-A-G.
Other names: NC_000015.9:g.38648237A>G.
Identifiers: ClinVar variation 887265 (VCV000887265.5), dbSNP rs187788660, ClinGen allele CA269293901.
Genomic context (GRCh38, chr15:38,356,036, plus strand): 5'-GTGGTTATAAAAGATTCATATGCTTTGGTACACTGATAAATGTTAGCCATTATTCCTGAA[A>G]GCTTCTTAAATTGCATCAGTTGTTTTGAAATTTTTTCAAGAATAAACTAGTTGAAAAGTC-3'